The following is an entry in ClinVar:

ClinVar aggregate classification (germline): Pathogenic/Likely pathogenic. Review status: criteria provided, multiple submitters, no conflicts (2 of 4 stars). 3 submissions from 3 submitters: Pathogenic (1); Likely pathogenic (1). 1 of the submissions does not count toward it. Last evaluated 2024-10-15.

Conditions:
EYA4-related disorder. Also called: EYA4-related disorders; EYA4-related condition. Identifiers: MedGen CN239388.

Submissions (3):

Mayo Clinic Laboratories, Mayo Clinic
Classification: Pathogenic. Last evaluated: 2024-10-15. Review status: criteria provided, single submitter. Criteria: ACMG Guidelines, 2015. Collection method: clinical testing. Allele origin: germline. Observed: 1 variant allele.
Comment: PP1, PM2_supporting, PVS1

Blueprint Genetics
Classification: Likely pathogenic for EYA4-related disorders. Last evaluated: 2022-06-20. Review status: criteria provided, single submitter. Criteria: ACMG Guidelines, 2015. Collection method: clinical testing. Allele origin: germline. Affected: yes. Observed: 2 variant alleles.

PreventionGenetics, part of Exact Sciences
Classification: Likely pathogenic for EYA4-related condition. Last evaluated: 2023-11-03. Review status: no assertion criteria provided. Collection method: clinical testing. Allele origin: germline. Not counted in ClinVar's aggregate classification.
Comment: The EYA4 c.1411_1412delGT variant is predicted to result in a frameshift and premature protein termination (p.Val471Lysfs*5). To our knowledge, this variant has not been reported in the literature or in a large population database, indicating this variant is rare. Frameshift variants in EYA4 are expected to be pathogenic. This variant is interpreted as likely pathogenic.

NM_004100.5(EYA4):c.1411_1412del (p.Val471fs)

Genes: EYA4 (EYA transcriptional coactivator and phosphatase 4; plus strand), TARID (TCF21 antisense RNA inducing promoter demethylation; minus strand). Cytogenetic location: 6q23.2.
Variant type: Microsatellite.
Coding change: c.1411_1412del on transcript NM_004100.5 (MANE Select); coding-DNA positions 1411 to 1412, 2 bases deleted (GT; older notation c.1411_1412delGT).
Protein change: p.Val471fs; shifts the reading frame from valine 471.
Molecular consequence: frameshift variant.
Genome position (GRCh38, 1-based): chr6:133,512,948-133,512,949, GT deleted; deleting any 2 consecutive bases within chr6:133,512,946-133,512,949 gives the same sequence; the c. name uses the placement nearest the transcript's 3' end. VCF-style (leftmost placement, unchanged base first): chr6-133512945-GGT-G. GRCh37 (hg19) VCF-style: chr6-133834083-GGT-G.
Other names: p.Val471Lysfs*5; c.1249_1250del, p.Val417fs (NM_001301012.2); c.1429_1430del, p.Val477fs (NM_001301013.2); c.1342_1343del, p.Val448fs (NM_001370458.1, NM_172103.4); c.1267_1268del, p.Val423fs (NM_001370459.1); c.1411_1412del, p.Val471fs (NM_172105.4); short protein forms V417fs, V423fs, V448fs, V471fs, V477fs.
Identifiers: ClinVar variation 3029802 (VCV003029802.4), dbSNP rs2535340015, ClinGen allele CA2680407099.